The following is an entry in ClinVar:

NM_030665.4(RAI1):c.2392C>T (p.Pro798Ser)

Gene: RAI1 (retinoic acid induced 1; plus strand). Cytogenetic location: 17p11.2.
Variant type: single nucleotide variant.
Coding change: c.2392C>T on transcript NM_030665.4 (MANE Select); coding-DNA position 2392, C replaced by T.
Protein change: p.Pro798Ser; replaces proline 798 with serine.
Molecular consequence: missense variant.
Genome position (GRCh38, 1-based): chr17:17,795,340, C>T. VCF-style: chr17-17795340-C-T. GRCh37 (hg19) VCF-style: chr17-17698654-C-T.
Other names: c.2392C>T (NM_030665.3); short protein forms P798S.
Identifiers: ClinVar variation 1435664 (VCV001435664.7), dbSNP rs148947371, ClinGen allele CA8418524.

ClinVar aggregate classification (germline): Benign. Review status: criteria provided, single submitter (1 of 4 stars). 2 submissions from 2 submitters: Benign (1). 1 of the submissions does not count toward it. Last evaluated 2023-07-17.

Conditions:
RAI1-related disorder. Also called: RAI1-related condition.

Allele frequency attached by ClinVar (database versions not stated): gnomAD 0.00002; TOPMed 0.00003; ESP Exome Variant Server 0.00008.
gnomAD v4.1: 19 of 1,600,190 alleles (0.0012%); highest among the groups gnomAD compares: African/African-American, 0.0054%; no homozygotes.

Submissions (2):

Labcorp Genetics (formerly Invitae), Labcorp
Classification: Benign. Last evaluated: 2023-07-17. Review status: criteria provided, single submitter. Criteria: Invitae Variant Classification Sherloc (09022015). Collection method: clinical testing. Allele origin: germline.

PreventionGenetics, part of Exact Sciences
Classification: Uncertain significance for RAI1-related condition. Last evaluated: 2023-12-12. Review status: no assertion criteria provided. Collection method: clinical testing. Allele origin: germline. Not counted in ClinVar's aggregate classification.
Comment: The RAI1 c.2392C>T variant is predicted to result in the amino acid substitution p.Pro798Ser. To our knowledge, this variant has not been reported in the literature. This variant is reported in 0.0063% of alleles in individuals of African descent in gnomAD. At this time, the clinical significance of this variant is uncertain due to the absence of conclusive functional and genetic evidence.